The following is an entry in ClinVar:

NM_003742.4(ABCB11):c.1529C>T (p.Thr510Ile)

Gene: ABCB11 (ATP binding cassette subfamily B member 11; minus strand). Cytogenetic location: 2q31.1.
Variant type: single nucleotide variant.
Coding change: c.1529C>T on transcript NM_003742.4 (MANE Select); coding-DNA position 1529, C replaced by T.
Protein change: p.Thr510Ile; replaces threonine 510 with isoleucine.
Molecular consequence: missense variant.
Genome position (GRCh38, 1-based): chr2:168,971,956, G>A on the plus strand (C>T on the coding strand, the complement: ABCB11 is on the minus strand). VCF-style: chr2-168971956-G-A. GRCh37 (hg19) VCF-style: chr2-169828466-G-A.
Other names: short protein forms T510I.
Identifiers: ClinVar variation 1466519 (VCV001466519.6), dbSNP rs2105964051, ClinGen allele CA349115768.
Genomic context (GRCh38, chr2:168,971,956, plus strand): 5'-TGGACTATGTCTTCCATTGTTGCATCTTCTCTGCCATAGCGAATATTTTCTGCAATGGTG[G>A]TAGAGAACAGAACTGGCTCTTGCTCCACTATCCCAATCTGATCTCTAAGCCACTGAATGT-3'
Protein context (NP_003733.2, residues 500-520): IVEQEPVLFS[Thr510Ile]TIAENIRYGR

ClinVar aggregate classification (germline): Uncertain significance (1 of 4 stars; one submission).

Submission:

Labcorp Genetics (formerly Invitae), Labcorp
Classification: Uncertain significance. Last evaluated: 2021-09-20. Review status: criteria provided, single submitter. Criteria: Invitae Variant Classification Sherloc (09022015). Collection method: clinical testing. Allele origin: germline.
Comment: This variant has not been reported in the literature in individuals affected with ABCB11-related conditions. In summary, the available evidence is currently insufficient to determine the role of this variant in disease. Therefore, it has been classified as a Variant of Uncertain Significance. Advanced modeling of protein sequence and biophysical properties (such as structural, functional, and spatial information, amino acid conservation, physicochemical variation, residue mobility, and thermodynamic stability) performed at Invitae indicates that this missense variant is expected to disrupt ABCB11 protein function. This variant is not present in population databases (ExAC no frequency). This sequence change replaces threonine with isoleucine at codon 510 of the ABCB11 protein (p.Thr510Ile). The threonine residue is highly conserved and there is a moderate physicochemical difference between threonine and isoleucine.